The following is an entry in ClinVar:

NM_001267550.2(TTN):c.5250G>C (p.Arg1750Ser)

Gene: TTN (titin; minus strand). Cytogenetic location: 2q31.2.
Variant type: single nucleotide variant.
Coding change: c.5250G>C on transcript NM_001267550.2 (MANE Select); coding-DNA position 5250, G replaced by C.
Protein change: p.Arg1750Ser; replaces arginine 1750 with serine.
Molecular consequence: missense variant.
Genome position (GRCh38, 1-based): chr2:178,776,614, C>G on the plus strand (G>C on the coding strand, the complement: TTN is on the minus strand). VCF-style: chr2-178776614-C-G. GRCh37 (hg19) VCF-style: chr2-179641341-C-G.
Other names: c.5250G>C, p.Arg1750Ser (NM_001256850.1, NM_133378.4, NM_133379.5); c.5112G>C, p.Arg1704Ser (NM_003319.4, NM_133432.3, NM_133437.4); short protein forms R1704S, R1750S.
Identifiers: ClinVar variation 3901391 (VCV003901391.1).
Genomic context (GRCh38, chr2:178,776,614, plus strand): 5'-TCTAGAATATGCAACGCCATAATCAAGGCTGCAGTACCCAAATTCATTGATCATACGGAG[C>G]CTGTTGGCTGCTTCAAGTGGCTTTCCATCATGGAGCCACTCCACCACCATCGTTGGGTCA-3'
Protein context (NP_001254479.2, residues 1740-1760): HDGKPLEAAN[Arg1750Ser]LRMINEFGYC

ClinVar aggregate classification (germline): Uncertain significance (1 of 4 stars; one submission).

gnomAD v4.1: 1 of 1,613,950 alleles (0.000062%); highest among the groups gnomAD compares: African/African-American, 0.0013%; no homozygotes.

Submission:

GeneDx
Classification: Uncertain significance. Last evaluated: 2024-12-04. Review status: criteria provided, single submitter. Criteria: GeneDx Variant Classification Process June 2021. Collection method: clinical testing. Allele origin: germline. Affected: yes.
Comment: Not observed at significant frequency in large population cohorts (gnomAD); Missense variant in a gene in which most reported pathogenic variants are truncating/loss of function; Has not been previously published as pathogenic or benign to our knowledge